The following is an entry in ClinVar:

ClinVar aggregate classification (germline): Uncertain significance. Review status: criteria provided, multiple submitters, no conflicts (2 of 4 stars). 2 submissions from 2 submitters: Uncertain significance (2). Last evaluated 2025-12-21.

Conditions:
Inborn genetic diseases. Identifiers: MedGen C0950123, MeSH D030342.
Bethlem myopathy 1A. Also called: Bethlem Muscular Dystrophy; Bethlem myopathy 1; MYOPATHY, BENIGN CONGENITAL, WITH CONTRACTURES. Identifiers: Orphanet 610, MedGen CN029274, MONDO:0024530, OMIM 158810.

gnomAD v4.1: 20 of 1,612,928 alleles (0.0012%); highest among the groups gnomAD compares: Middle Eastern, 0.016%; no homozygotes.

Submissions (2):

Labcorp Genetics (formerly Invitae), Labcorp
Classification: Uncertain significance for Bethlem myopathy 1A. Last evaluated: 2025-12-21. Review status: criteria provided, single submitter. Criteria: Invitae Variant Classification Sherloc (09022015). Collection method: clinical testing. Allele origin: germline.
Comment: This sequence change replaces asparagine, which is neutral and polar, with serine, which is neutral and polar, at codon 630 of the COL6A2 protein (p.Asn630Ser). This variant is present in population databases (no rsID available, gnomAD 0.0009%). This variant has not been reported in the literature in individuals affected with COL6A2-related conditions. ClinVar contains an entry for this variant (Variation ID: 2148035). Invitae Evidence Modeling of protein sequence and biophysical properties (such as structural, functional, and spatial information, amino acid conservation, physicochemical variation, residue mobility, and thermodynamic stability) indicates that this missense variant is expected to disrupt COL6A2 protein function with a positive predictive value of 80%. In summary, the available evidence is currently insufficient to determine the role of this variant in disease. Therefore, it has been classified as a Variant of Uncertain Significance.

Ambry Genetics
Classification: Uncertain significance for Inborn genetic diseases. Last evaluated: 2023-12-04. Review status: criteria provided, single submitter. Criteria: Ambry Variant Classification Scheme 2023. Collection method: clinical testing. Allele origin: germline.

NM_001849.4(COL6A2):c.1889A>G (p.Asn630Ser)

Gene: COL6A2 (collagen type VI alpha 2 chain; plus strand). Cytogenetic location: 21q22.3.
Variant type: single nucleotide variant.
Coding change: c.1889A>G on transcript NM_001849.4 (MANE Select); coding-DNA position 1889, A replaced by G.
Protein change: p.Asn630Ser; replaces asparagine 630 with serine.
Molecular consequence: missense variant.
Genome position (GRCh38, 1-based): chr21:46,125,537, A>G. VCF-style: chr21-46125537-A-G. GRCh37 (hg19) VCF-style: chr21-47545451-A-G.
Other names: c.1889A>G, p.Asn630Ser (NM_058174.3, NM_058175.3); short protein forms N630S.
Identifiers: ClinVar variation 2148035 (VCV002148035.5), dbSNP rs1322511970, ClinGen allele CA410538702.
Genomic context (GRCh38, chr21:46,125,537, plus strand): 5'-GCTGTGGCGCCCTGGACGTGGTCTTCGTCATCGACAGCTCCGAGAGCATTGGGTACACCA[A>G]CTTCACACTGGAGAAGAACTTCGTCATCAACGTGGTCAACAGGCTGGGTGCCATCGCTAA-3'
Protein context (NP_001840.3, residues 620-640): IDSSESIGYT[Asn630Ser]FTLEKNFVIN